The following is an entry in ClinVar:

ClinVar aggregate classification (germline): Pathogenic. Review status: criteria provided, multiple submitters, no conflicts (2 of 4 stars). 2 submissions from 2 submitters: Pathogenic (2). Last evaluated 2024-10-09.

Conditions:
Hereditary cancer-predisposing syndrome. Also called: Neoplastic Syndromes, Hereditary; Hereditary neoplastic syndrome; Tumor predisposition; Hereditary Cancer Syndrome. Identifiers: Orphanet 140162, MedGen C0027672, MeSH D009386, MONDO:0015356.
Cardiovascular phenotype. Identifiers: MedGen CN230736.
Neurofibromatosis, type 1 (NF1). Also called: Neurofibromatosis, type I; Peripheral type neurofibromatosis; VON RECKLINGHAUSEN DISEASE; NEUROFIBROMATOSIS, TYPE I, SOMATIC. Identifiers: Orphanet 636, MedGen C0027831, MONDO:0018975, OMIM 162200. Disease mechanism: loss of function.

Submissions (2):

Ambry Genetics
Classification: Pathogenic for Cardiovascular phenotype; Hereditary cancer-predisposing syndrome. Last evaluated: 2024-10-09. Review status: criteria provided, single submitter. Criteria: Ambry Variant Classification Scheme 2023. Collection method: clinical testing. Allele origin: germline.
Comment: The c.5489delC pathogenic mutation, located in coding exon 37 of the NF1 gene, results from a deletion of one nucleotide at nucleotide position 5489, causing a translational frameshift with a predicted alternate stop codon (p.P1830Lfs*12). This variant is considered to be rare based on population cohorts in the Genome Aggregation Database (gnomAD). This alteration is expected to result in loss of function by premature protein truncation or nonsense-mediated mRNA decay. As such, this alteration is interpreted as a disease-causing mutation.

Labcorp Genetics (formerly Invitae), Labcorp
Classification: Pathogenic for Neurofibromatosis, type 1. Last evaluated: 2022-06-17. Review status: criteria provided, single submitter. Criteria: Invitae Variant Classification Sherloc (09022015). Collection method: clinical testing. Allele origin: germline.
Comment: This variant is not present in population databases (gnomAD no frequency). This sequence change creates a premature translational stop signal (p.Pro1830Leufs*12) in the NF1 gene. It is expected to result in an absent or disrupted protein product. Loss-of-function variants in NF1 are known to be pathogenic (PMID: 10712197, 23913538). This variant has not been reported in the literature in individuals affected with NF1-related conditions. For these reasons, this variant has been classified as Pathogenic.

Literature cited by the submitters: PubMed 10712197 (cited by Labcorp Genetics (formerly Invitae), Labcorp); PubMed 23913538 (cited by Labcorp Genetics (formerly Invitae), Labcorp).

NM_001042492.3(NF1):c.5552del (p.Pro1851fs)

Gene: NF1 (neurofibromin 1; plus strand). Cytogenetic location: 17q11.2.
Variant type: Deletion.
Coding change: c.5552del on transcript NM_001042492.3 (MANE Select); coding-DNA position 5552, one base deleted (C; older notation c.5552delC).
Protein change: p.Pro1851fs; shifts the reading frame from proline 1851.
Molecular consequence: frameshift variant.
Genome position (GRCh38, 1-based): chr17:31,327,782, C deleted; the last of 3 consecutive C bases (chr17:31,327,780-31,327,782); deleting any one gives the same sequence. VCF-style (leftmost placement, unchanged base first): chr17-31327779-TC-T. GRCh37 (hg19) VCF-style: chr17-29654797-TC-T.
Other names: c.5489delC, p.Pro1830Leufs (NM_000267.4); c.5489delC (NM_000267.3); short protein forms P1830fs, P1851fs.
Identifiers: ClinVar variation 2007686 (VCV002007686.5), dbSNP rs2508708026, ClinGen allele CA2580093334.